The following is an entry in ClinVar:

NM_001330723.2(SNX27):c.629_630del (p.Glu210fs)

Gene: SNX27 (sorting nexin 27; plus strand). Cytogenetic location: 1q21.3.
Variant type: Microsatellite.
Coding change: c.629_630del on transcript NM_001330723.2 (MANE Select); coding-DNA positions 629 to 630, 2 bases deleted (AG; older notation c.629_630delAG).
Protein change: p.Glu210fs; shifts the reading frame from glutamic acid 210.
Molecular consequence: frameshift variant.
Genome position (GRCh38, 1-based): chr1:151,658,320-151,658,321, AG deleted; deleting any 2 consecutive bases within chr1:151,658,314-151,658,321 gives the same sequence; the c. name uses the placement nearest the transcript's 3' end. VCF-style (leftmost placement, unchanged base first): chr1-151658313-AAG-A. GRCh37 (hg19) VCF-style: chr1-151630789-AAG-A.
Other names: c.629_630del, p.Glu210fs (NM_030918.6); short protein forms E210fs.
Identifiers: ClinVar variation 947628 (VCV000947628.3), dbSNP rs1669791515, ClinGen allele CA2479677320.

ClinVar aggregate classification (germline): Pathogenic (1 of 4 stars; one submission).

Conditions:
Severe myoclonic epilepsy in infancy (DRVT). Also called: SEVERE MYOCLONIC EPILEPSY OF INFANCY; Dravet syndrome; Epileptic encephalopathy, early infantile, 6 (Dravet syndrome); DEVELOPMENTAL AND EPILEPTIC ENCEPHALOPATHY 6A; Severe Myoclonic Epilepsy in Infancy (SMEI). Identifiers: Orphanet 33069, MedGen C0751122, MONDO:0100135, OMIM 607208.

Submission:

Labcorp Genetics (formerly Invitae), Labcorp
Classification: Pathogenic for Severe myoclonic epilepsy in infancy. Last evaluated: 2019-07-08. Review status: criteria provided, single submitter. Criteria: Invitae Variant Classification Sherloc (09022015). Collection method: clinical testing. Allele origin: germline.
Comment: This sequence change creates a premature translational stop signal (p.Glu210Valfs*44) in the SNX27 gene. It is expected to result in an absent or disrupted protein product. This variant is not present in population databases (ExAC no frequency). This variant has not been reported in the literature in individuals with SNX27-related conditions. Loss-of-function variants in SNX27 are known to be pathogenic (PMID: 25894286). For these reasons, this variant has been classified as Pathogenic.

Literature cited by the submitters: PubMed 25894286.